The following is an entry in ClinVar:

NC_000016.10:g.(?_78386840)_(78432772_?)del

Genes: WWOX (WW domain containing oxidoreductase; plus strand), LOC112486209 (Sharpr-MPRA regulatory region 4302; plus strand), LOC132090435 (Neanderthal introgressed variant-containing enhancer experimental_46257; plus strand). Cytogenetic location: 16q23.1.
Variant type: Deletion.
Identifiers: ClinVar variation 584296 (VCV000584296.2).

ClinVar aggregate classification (germline): Pathogenic (1 of 4 stars; one submission).

Conditions:
Autosomal recessive spinocerebellar ataxia 12. Also called: SPINOCEREBELLAR ATAXIA WITH MENTAL RETARDATION AND EPILEPSY. Identifiers: Orphanet 284282, MedGen C3280452, MONDO:0013687, OMIM 614322.
Developmental and epileptic encephalopathy, 1 (DEE1). Also called: X-linked infantile spasms; West's syndrome; Tonic spasms with clustering, arrest of psychomotor development and hypsarrhythmia on EEG; X-Linked Infantile Spasm Syndrome; OHTAHARA SYNDROME, X-LINKED; INFANTILE SPASM SYNDROME, X-LINKED 1. Identifiers: MedGen C3463992, MONDO:0010632, OMIM 308350. Disease mechanism: loss of function.

Submission:

Labcorp Genetics (formerly Invitae), Labcorp
Classification: Pathogenic for Developmental and epileptic encephalopathy, 1; Autosomal recessive spinocerebellar ataxia 12. Last evaluated: 2022-09-27. Review status: criteria provided, single submitter. Criteria: Invitae Variant Classification Sherloc (09022015). Collection method: clinical testing. Allele origin: germline.
Comment: This variant is a gross deletion of the genomic region encompassing exon(s) 6-8 of the WWOX gene. This variant would be expected to be in-frame, preserving the integrity of the reading frame. A similar copy number variant has been observed in individual(s) with autosomal recessive early infantile epileptic encephalopathy (PMID: 25411445, 30356099). In at least one individual the data is consistent with being in trans (on the opposite chromosome) from a pathogenic variant. For these reasons, this variant has been classified as Pathogenic.

Literature cited by the submitters: PubMed 25411445; PubMed 30356099.